The following is an entry in ClinVar:

NM_003327.4(TNFRSF4):c.508G>A (p.Asp170Asn)

Gene: TNFRSF4 (TNF receptor superfamily member 4; minus strand). Cytogenetic location: 1p36.33.
Variant type: single nucleotide variant.
Coding change: c.508G>A on transcript NM_003327.4 (MANE Select); coding-DNA position 508, G replaced by A.
Protein change: p.Asp170Asn; replaces aspartic acid 170 with asparagine.
Molecular consequence: missense variant.
Genome position (GRCh38, 1-based): chr1:1,212,068, C>T on the plus strand (G>A on the coding strand, the complement: TNFRSF4 is on the minus strand). VCF-style: chr1-1212068-C-T. GRCh37 (hg19) VCF-style: chr1-1147448-C-T.
Other names: c.508G>A, p.Asp170Asn (NM_001410709.1); short protein forms D170N.
Identifiers: ClinVar variation 4706477 (VCV004706477.1).

ClinVar aggregate classification (germline): Uncertain significance (1 of 4 stars; one submission).

Conditions:
Combined immunodeficiency due to OX40 deficiency. Also called: Immunodeficiency 16; OX40 DEFICIENCY. Identifiers: Orphanet 431149, MedGen C3810053, MONDO:0014268, OMIM 615593.

gnomAD v4.1: 4 of 1,612,316 alleles (0.00025%); highest among the groups gnomAD compares: Middle Eastern, 0.017%; no homozygotes.

Submission:

Labcorp Genetics (formerly Invitae), Labcorp
Classification: Uncertain significance for Combined immunodeficiency due to OX40 deficiency. Last evaluated: 2025-11-06. Review status: criteria provided, single submitter. Criteria: Invitae Variant Classification Sherloc (09022015). Collection method: clinical testing. Allele origin: germline.
Comment: This sequence change replaces aspartic acid, which is acidic and polar, with asparagine, which is neutral and polar, at codon 170 of the TNFRSF4 protein (p.Asp170Asn). This variant is present in population databases (no rsID available, gnomAD 0.007%). This variant has not been reported in the literature in individuals affected with TNFRSF4-related conditions. Invitae Evidence Modeling of protein sequence and biophysical properties (such as structural, functional, and spatial information, amino acid conservation, physicochemical variation, residue mobility, and thermodynamic stability) indicates that this missense variant is not expected to disrupt TNFRSF4 protein function with a negative predictive value of 80%. In summary, the available evidence is currently insufficient to determine the role of this variant in disease. Therefore, it has been classified as a Variant of Uncertain Significance.